The following is an entry in ClinVar:

ClinVar aggregate classification (germline): Uncertain significance (1 of 4 stars; one submission).

Submission:

Labcorp Genetics (formerly Invitae), Labcorp
Classification: Uncertain significance. Last evaluated: 2025-09-02. Review status: criteria provided, single submitter. Criteria: Invitae Variant Classification Sherloc (09022015). Collection method: clinical testing. Allele origin: germline.
Comment: This sequence change replaces arginine, which is basic and polar, with serine, which is neutral and polar, at codon 14 of the ROM1 protein (p.Arg14Ser). This variant is not present in population databases (gnomAD no frequency). This variant has not been reported in the literature in individuals affected with ROM1-related conditions. ClinVar contains an entry for this variant (Variation ID: 2026172). Invitae Evidence Modeling of protein sequence and biophysical properties (such as structural, functional, and spatial information, amino acid conservation, physicochemical variation, residue mobility, and thermodynamic stability) has been performed for this missense variant. However, the output from this modeling did not meet the statistical confidence thresholds required to predict the impact of this variant on ROM1 protein function. In summary, the available evidence is currently insufficient to determine the role of this variant in disease. Therefore, it has been classified as a Variant of Uncertain Significance.

NM_000327.4(ROM1):c.40C>A (p.Arg14Ser)

Gene: ROM1 (retinal outer segment membrane protein 1; plus strand). Cytogenetic location: 11q12.3.
Variant type: single nucleotide variant.
Coding change: c.40C>A on transcript NM_000327.4 (MANE Select); coding-DNA position 40, C replaced by A.
Protein change: p.Arg14Ser; replaces arginine 14 with serine.
Molecular consequence: missense variant.
Genome position (GRCh38, 1-based): chr11:62,613,321, C>A. VCF-style: chr11-62613321-C-A. GRCh37 (hg19) VCF-style: chr11-62380793-C-A.
Other names: short protein forms R14S.
Identifiers: ClinVar variation 2026172 (VCV002026172.4), dbSNP rs1036218993, ClinGen allele CA380968032.